The following is an entry in ClinVar:

NM_002907.4(RECQL):c.371A>C (p.Gln124Pro)

Gene: RECQL (RecQ like helicase; minus strand). Cytogenetic location: 12p12.1.
Variant type: single nucleotide variant.
Coding change: c.371A>C on transcript NM_002907.4 (MANE Select); coding-DNA position 371, A replaced by C.
Protein change: p.Gln124Pro; replaces glutamine 124 with proline.
Molecular consequence: missense variant.
Genome position (GRCh38, 1-based): chr12:21,490,222, T>G on the plus strand (A>C on the coding strand, the complement: RECQL is on the minus strand). VCF-style: chr12-21490222-T-G. GRCh37 (hg19) VCF-style: chr12-21643156-T-G.
Other names: c.371A>C, p.Gln124Pro (NM_032941.3); short protein forms Q124P.
Identifiers: ClinVar variation 3431819 (VCV003431819.1).

ClinVar aggregate classification (germline): Uncertain significance (1 of 4 stars; one submission).

gnomAD v4.1: 5 of 1,612,014 alleles (0.00031%); highest among the groups gnomAD compares: Non-Finnish European, 0.00042%; no homozygotes.

Submission:

Ambry Genetics
Classification: Uncertain significance. Last evaluated: 2024-11-08. Review status: criteria provided, single submitter. Criteria: Ambry Variant Classification Scheme 2023. Collection method: clinical testing. Allele origin: germline.
Comment: The p.Q124P variant (also known as c.371A>C), located in coding exon 3 of the RECQL gene, results from an A to C substitution at nucleotide position 371. The glutamine at codon 124 is replaced by proline, an amino acid with similar properties. This amino acid position is conserved. In addition, this alteration is predicted to be deleterious by in silico analysis. Based on the available evidence, the clinical significance of this variant remains unclear.